The following is an entry in ClinVar:

ClinVar aggregate classification (germline): Uncertain significance (1 of 4 stars; one submission).

Conditions:
Developmental and epileptic encephalopathy 105 with hypopituitarism (DEE105). Identifiers: MedGen C5774190, MONDO:0031028, OMIM 619983.

Submission:

3billion
Classification: Uncertain significance for Developmental and epileptic encephalopathy 105 with hypopituitarism. Last evaluated: 2023-06-15. Review status: criteria provided, single submitter. Criteria: ACMG Guidelines, 2015. Collection method: clinical testing. Allele origin: germline. Affected: yes.
Comment: The variant is not observed in the gnomAD v2.1.1 dataset. Predicted Consequence/Location: Frameshift: predicted to result in a loss or disruption of normal protein function through protein truncation. The predicted truncated protein may be shortened by less than 10%. Therefore, this variant is classified as VUS according to the recommendation of ACMG/AMP guideline.

NM_030630.3(HID1):c.2273del (p.Arg758fs)

Gene: HID1 (HID1 domain containing; minus strand). Cytogenetic location: 17q25.1.
Variant type: Deletion.
Coding change: c.2273del on transcript NM_030630.3 (MANE Select); coding-DNA position 2273, one base deleted (G; older notation c.2273delG).
Protein change: p.Arg758fs; shifts the reading frame from arginine 758.
Molecular consequence: frameshift variant.
Genome position (GRCh38, 1-based): chr17:74,951,935, C deleted on the plus strand (G on the coding strand, the reverse complement: HID1 is on the minus strand). VCF-style (leftmost placement, unchanged base first): chr17-74951934-GC-G. GRCh37 (hg19) VCF-style: chr17-72948029-GC-G.
Other names: short protein forms R758fs.
Identifiers: ClinVar variation 3775920 (VCV003775920.1).